The following is an entry in ClinVar:

NM_000138.5(FBN1):c.2660G>C (p.Cys887Ser)

Gene: FBN1 (fibrillin 1; minus strand). Cytogenetic location: 15q21.1.
Variant type: single nucleotide variant.
Coding change: c.2660G>C on transcript NM_000138.5 (MANE Select); coding-DNA position 2660, G replaced by C.
Protein change: p.Cys887Ser; replaces cysteine 887 with serine.
Molecular consequence: missense variant.
Genome position (GRCh38, 1-based): chr15:48,495,140, C>G on the plus strand (G>C on the coding strand, the complement: FBN1 is on the minus strand). VCF-style: chr15-48495140-C-G. GRCh37 (hg19) VCF-style: chr15-48787337-C-G.
Other names: c.2660G>C, p.Cys887Ser (NM_001406716.1); short protein forms C887S.
Identifiers: ClinVar variation 2137700 (VCV002137700.4), dbSNP rs2043594601, ClinGen allele CA392332012.

ClinVar aggregate classification (germline): Pathogenic (1 of 4 stars; one submission).

Conditions:
Familial thoracic aortic aneurysm and aortic dissection (TAAD). Also called: Thoracic aortic aneurysms and dissections. Identifiers: Orphanet 91387, MedGen C4707243, MONDO:0019625.
Marfan syndrome (MFS). Also called: MARFAN SYNDROME, TYPE I; Marfan syndrome type 1; Marfan's syndrome; Marfan syndrome, classic; FBN1-Related Marfan Syndrome. Identifiers: Orphanet 284963, Orphanet 558, MedGen C0024796, MONDO:0007947, OMIM 154700.

Submission:

Labcorp Genetics (formerly Invitae), Labcorp
Classification: Pathogenic for Marfan syndrome; Familial thoracic aortic aneurysm and aortic dissection. Last evaluated: 2024-02-03. Review status: criteria provided, single submitter. Criteria: Invitae Variant Classification Sherloc (09022015). Collection method: clinical testing. Allele origin: germline.
Comment: This sequence change replaces cysteine, which is neutral and slightly polar, with serine, which is neutral and polar, at codon 887 of the FBN1 protein (p.Cys887Ser). This variant is not present in population databases (gnomAD no frequency). This missense change has been observed in individuals with clinical features of Marfan syndrome (PMID: 27906200; Invitae). ClinVar contains an entry for this variant (Variation ID: 2137700). Advanced modeling of protein sequence and biophysical properties (such as structural, functional, and spatial information, amino acid conservation, physicochemical variation, residue mobility, and thermodynamic stability) performed at Invitae indicates that this missense variant is expected to disrupt FBN1 protein function with a positive predictive value of 95%. This variant affects a cysteine residue in the EGF-like, TGFBP or hybrid motif domains of FBN1. Cysteine residues are believed to be involved in intramolecular disulfide bridges and have been shown to be important for FBN1 protein structure (PMID: 16905551, 19349279). In addition, missense substitutions affecting cysteine residues within these domains are significantly overrepresented among patients with Marfan syndrome (PMID: 16571647, 17701892). This variant disrupts the p.Cys887 amino acid residue in FBN1. Other variant(s) that disrupt this residue have been observed in individuals with FBN1-related conditions (PMID: 23684891, 27906200, 29907982), which suggests that this may be a clinically significant amino acid residue. For these reasons, this variant has been classified as Pathogenic.

Literature cited by the submitters: PubMed 27906200; PubMed 16905551; PubMed 19349279; PubMed 16571647; PubMed 17701892; PubMed 23684891; PubMed 29907982.